The following is an entry in ClinVar:

ClinVar aggregate classification (germline): Uncertain significance (1 of 4 stars; one submission).

Submission:

GeneDx
Classification: Uncertain significance. Last evaluated: 2019-08-19. Review status: criteria provided, single submitter. Criteria: GeneDx Variant Classification Process June 2021. Collection method: clinical testing. Allele origin: germline. Affected: yes.
Comment: Not observed in large population cohorts (Lek et al., 2016); In silico analysis, which includes protein predictors and evolutionary conservation, supports a deleterious effect; Has not been previously published as pathogenic or benign to our knowledge

NM_000138.5(FBN1):c.2621A>C (p.Gln874Pro)

Gene: FBN1 (fibrillin 1; minus strand). Cytogenetic location: 15q21.1.
Variant type: single nucleotide variant.
Coding change: c.2621A>C on transcript NM_000138.5 (MANE Select); coding-DNA position 2621, A replaced by C.
Protein change: p.Gln874Pro; replaces glutamine 874 with proline.
Molecular consequence: missense variant.
Genome position (GRCh38, 1-based): chr15:48,495,179, T>G on the plus strand (A>C on the coding strand, the complement: FBN1 is on the minus strand). VCF-style: chr15-48495179-T-G. GRCh37 (hg19) VCF-style: chr15-48787376-T-G.
Other names: short protein forms Q874P.
Identifiers: ClinVar variation 1308038 (VCV001308038.2), dbSNP rs2043595247, ClinGen allele CA392332373.